The following is an entry in ClinVar:

ClinVar aggregate classification (germline): Uncertain significance (1 of 4 stars; one submission).

Conditions:
Autosomal dominant polycystic kidney disease. Identifiers: Orphanet 730, MedGen C0085413, MONDO:0004691.

Allele frequency attached by ClinVar (database versions not stated): gnomAD 0.00001; gnomAD exomes 0.00001.
gnomAD v4.1: 8 of 1,613,714 alleles (0.0005%); highest among the groups gnomAD compares: Non-Finnish European, 0.00068%; no homozygotes.

Submission:

Labcorp Genetics (formerly Invitae), Labcorp
Classification: Uncertain significance for Autosomal dominant polycystic kidney disease. Last evaluated: 2023-05-31. Review status: criteria provided, single submitter. Criteria: Invitae Variant Classification Sherloc (09022015). Collection method: clinical testing. Allele origin: germline.
Comment: In summary, the available evidence is currently insufficient to determine the role of this variant in disease. Therefore, it has been classified as a Variant of Uncertain Significance. Advanced modeling of protein sequence and biophysical properties (such as structural, functional, and spatial information, amino acid conservation, physicochemical variation, residue mobility, and thermodynamic stability) performed at Invitae indicates that this missense variant is not expected to disrupt PKD2 protein function. This variant has not been reported in the literature in individuals affected with PKD2-related conditions. This variant is present in population databases (rs753075558, gnomAD 0.003%). This sequence change replaces isoleucine, which is neutral and non-polar, with valine, which is neutral and non-polar, at codon 333 of the PKD2 protein (p.Ile333Val).

NM_000297.4(PKD2):c.997A>G (p.Ile333Val)

Gene: PKD2 (polycystin 2, transient receptor potential cation channel; plus strand). Cytogenetic location: 4q22.1.
Variant type: single nucleotide variant.
Coding change: c.997A>G on transcript NM_000297.4 (MANE Select); coding-DNA position 997, A replaced by G.
Protein change: p.Ile333Val; replaces isoleucine 333 with valine.
Molecular consequence: missense variant. On other transcripts: non-coding transcript variant (1).
Genome position (GRCh38, 1-based): chr4:88,038,404, A>G. VCF-style: chr4-88038404-A-G. GRCh37 (hg19) VCF-style: chr4-88959556-A-G.
Other names: short protein forms I333V.
Identifiers: ClinVar variation 2891240 (VCV002891240.3), dbSNP rs753075558, ClinGen allele CA100891441.